The following is an entry in ClinVar:

NM_213599.3(ANO5):c.1225G>A (p.Glu409Lys)

Gene: ANO5 (anoctamin 5; plus strand). Cytogenetic location: 11p14.3.
Variant type: single nucleotide variant.
Coding change: c.1225G>A on transcript NM_213599.3 (MANE Select); coding-DNA position 1225, G replaced by A.
Protein change: p.Glu409Lys; replaces glutamic acid 409 with lysine.
Molecular consequence: missense variant.
Genome position (GRCh38, 1-based): chr11:22,255,415, G>A. VCF-style: chr11-22255415-G-A. GRCh37 (hg19) VCF-style: chr11-22276961-G-A.
Other names: c.1222G>A, p.Glu408Lys (NM_001142649.2); c.1183G>A, p.Glu395Lys (NM_001410963.1); c.1180G>A, p.Glu394Lys (NM_001410964.1); short protein forms E394K, E395K, E408K, E409K.
Identifiers: ClinVar variation 3751093 (VCV003751093.2).

ClinVar aggregate classification (germline): Uncertain significance (1 of 4 stars; one submission).

Conditions:
Gnathodiaphyseal dysplasia (GDD). Also called: GNATHODIAPHYSEAL SCLEROSIS; OSTEOGENESIS IMPERFECTA WITH UNUSUAL SKELETAL LESIONS. Identifiers: Orphanet 53697, MedGen C1833736, MONDO:0008151, OMIM 166260.
Autosomal recessive limb-girdle muscular dystrophy type 2L (LGMDR12). Also called: Limb-girdle muscular dystrophy, type 2L; MUSCULAR DYSTROPHY, LIMB-GIRDLE, AUTOSOMAL RECESSIVE 12; Limb-Girdle Muscular Dystrophy R12 Anoctamin-5-Related (LGMD-R12). Identifiers: Orphanet 206549, MedGen C1969785, MONDO:0012652, OMIM 611307.

gnomAD v4.1: 1 of 1,612,480 alleles (0.000062%); highest among the groups gnomAD compares: Non-Finnish European, 0.000085%; no homozygotes.

Submission:

Labcorp Genetics (formerly Invitae), Labcorp
Classification: Uncertain significance for Autosomal recessive limb-girdle muscular dystrophy type 2L; Gnathodiaphyseal dysplasia. Last evaluated: 2024-04-15. Review status: criteria provided, single submitter. Criteria: Invitae Variant Classification Sherloc (09022015). Collection method: clinical testing. Allele origin: germline.
Comment: This sequence change replaces glutamic acid, which is acidic and polar, with lysine, which is basic and polar, at codon 409 of the ANO5 protein (p.Glu409Lys). This variant is not present in population databases (gnomAD no frequency). This variant has not been reported in the literature in individuals affected with ANO5-related conditions. Advanced modeling of protein sequence and biophysical properties (such as structural, functional, and spatial information, amino acid conservation, physicochemical variation, residue mobility, and thermodynamic stability) has been performed at Invitae for this missense variant, however the output from this modeling did not meet the statistical confidence thresholds required to predict the impact of this variant on ANO5 protein function. In summary, the available evidence is currently insufficient to determine the role of this variant in disease. Therefore, it has been classified as a Variant of Uncertain Significance.